The following is an entry in ClinVar:

NM_000642.3(AGL):c.1102del (p.Glu368fs)

Gene: AGL (amylo-alpha-1,6-glucosidase and 4-alpha-glucanotransferase; plus strand). Cytogenetic location: 1p21.2.
Variant type: Deletion.
Coding change: c.1102del on transcript NM_000642.3 (MANE Select); coding-DNA position 1102, one base deleted (G; older notation c.1102delG).
Protein change: p.Glu368fs; shifts the reading frame from glutamic acid 368.
Molecular consequence: frameshift variant.
Genome position (GRCh38, 1-based): chr1:99,875,173, G deleted. VCF-style (leftmost placement, unchanged base first): chr1-99875172-TG-T. GRCh37 (hg19) VCF-style: chr1-100340728-TG-T.
Other names: c.1102delG, p.Glu368Lysfs (NM_000028.3, NM_000643.3, NM_000644.3 and 2 more transcripts); c.1054delG, p.Glu352Lysfs (NM_000646.3); c.898delG, p.Glu300Lysfs (NM_001425328.1, NM_001425329.1); c.724delG, p.Glu242Lysfs (NM_001425332.1); short protein forms E352fs, E368fs.
Identifiers: ClinVar variation 456447 (VCV000456447.11), dbSNP rs1553185403, ClinGen allele CA658656948.

ClinVar aggregate classification (germline): Pathogenic. Review status: criteria provided, multiple submitters, no conflicts (2 of 4 stars). 2 submissions from 2 submitters: Pathogenic (2). Last evaluated 2017-06-19.

Conditions:
Glycogen storage disease type III (GSD3). Also called: FORBES DISEASE; Cori disease. Identifiers: Orphanet 366, MedGen C0017922, MONDO:0009291, OMIM 232400.

Submissions (2):

Stanford Center for Inherited Cardiovascular Disease, Stanford University
Classification: Pathogenic. Last evaluated: 2017-06-19. Review status: criteria provided, single submitter. Criteria: ACMG Guidelines, 2015. Collection method: provider interpretation. Allele origin: germline.

Labcorp Genetics (formerly Invitae), Labcorp
Classification: Pathogenic for Glycogen storage disease type III. Last evaluated: 2017-05-09. Review status: criteria provided, single submitter. Criteria: Invitae Variant Classification Sherloc (09022015). Collection method: clinical testing. Allele origin: germline.
Comment: For these reasons, this variant has been classified as Pathogenic. While this particular variant has not been reported in the literature, loss-of-function variants in AGL are known to be pathogenic (PMID: 19299494). This sequence change deletes 1 nucleotide from exon 9 of the AGL mRNA (c.1102delG), causing a frameshift at codon 368. This creates a premature translational stop signal (p.Glu368Lysfs*14) and is expected to result in an absent or disrupted protein product.

Literature cited by the submitters: PubMed 19299494 (cited by Labcorp Genetics (formerly Invitae), Labcorp).